The following is an entry in ClinVar:

NM_005612.5(REST):c.2281G>T (p.Val761Phe)

Gene: REST (RE1 silencing transcription factor; plus strand). Cytogenetic location: 4q12.
Variant type: single nucleotide variant.
Coding change: c.2281G>T on transcript NM_005612.5 (MANE Select); coding-DNA position 2281, G replaced by T.
Protein change: p.Val761Phe; replaces valine 761 with phenylalanine.
Molecular consequence: missense variant.
Genome position (GRCh38, 1-based): chr4:56,931,139, G>T. VCF-style: chr4-56931139-G-T. GRCh37 (hg19) VCF-style: chr4-57797305-G-T.
Other names: c.2281G>T, p.Val761Phe (NM_001193508.2, NM_001363453.3); c.2197G>T, p.Val733Phe (NM_001440532.1, NM_001440533.1); short protein forms V733F, V761F.
Identifiers: ClinVar variation 4277334 (VCV004277334.2).

ClinVar aggregate classification (germline): Uncertain significance. Review status: criteria provided, multiple submitters, no conflicts (2 of 4 stars). 2 submissions from 2 submitters: Uncertain significance (2). Last evaluated 2026-01-25.

Conditions:
Wilms tumor 6 (WT6). Also called: WILMS TUMOR 6, SUSCEPTIBILITY TO. Identifiers: Orphanet 654, MedGen C3891301, MONDO:0014779, OMIM 616806.

gnomAD v4.1: 9 of 1,604,612 alleles (0.00056%); highest among the groups gnomAD compares: Non-Finnish European, 0.00077%; no homozygotes.

Submissions (2):

Labcorp Genetics (formerly Invitae), Labcorp
Classification: Uncertain significance. Last evaluated: 2026-01-25. Review status: criteria provided, single submitter. Criteria: Invitae Variant Classification Sherloc (09022015). Collection method: clinical testing. Allele origin: germline.
Comment: This sequence change replaces valine, which is neutral and non-polar, with phenylalanine, which is neutral and non-polar, at codon 761 of the REST protein (p.Val761Phe). This variant is not present in population databases (gnomAD no frequency). This variant has not been reported in the literature in individuals affected with REST-related conditions. ClinVar contains an entry for this variant (Variation ID: 4277334). An algorithm developed to predict the effect of missense changes on protein structure and function (PolyPhen-2) suggests that this variant is likely to be tolerated. In summary, the available evidence is currently insufficient to determine the role of this variant in disease. Therefore, it has been classified as a Variant of Uncertain Significance.

St. Jude Molecular Pathology, St. Jude Children's Research Hospital
Classification: Uncertain significance for Wilms tumor 6. Last evaluated: 2024-01-13. Review status: criteria provided, single submitter. Criteria: St. Jude Assertion Criteria 2020. Collection method: clinical testing. Allele origin: germline.